The following is an entry in ClinVar:

ClinVar aggregate classification (germline): Likely pathogenic (1 of 4 stars; one submission).

Conditions:
Amelogenesis imperfecta, type 1J (AI1J). Also called: Amelogenesis imperfecta, type IJ. Identifiers: MedGen C4310630, MONDO:0015008, OMIM 617297.

Submission:

First Genomix Gene Laboratory, Genetic Diagnostics Department
Classification: Likely pathogenic for Amelogenesis imperfecta, type 1J. Last evaluated: 2025-07-18. Review status: criteria provided, single submitter. Criteria: ACMG Guidelines, 2015. Collection method: clinical testing. Allele origin: germline. Inheritance: Autosomal recessive inheritance. Affected: no. Observed: 1 variant allele.

NM_033068.3(ACP4):c.984_986+1del

Gene: ACP4 (acid phosphatase 4; plus strand). Cytogenetic location: 19q13.33.
Variant type: Deletion.
Coding change: c.984_986+1del on transcript NM_033068.3 (MANE Select); coding-DNA position 984 through the canonical splice donor site of the intron after coding-DNA position 986, 4 bases deleted (AGGG; older notation c.984_986+1delAGGG).
Molecular consequence: splice donor variant.
Genome position (GRCh38, 1-based): chr19:50,794,579-50,794,582, AGGG deleted; deleting any 4 consecutive bases within chr19:50,794,577-50,794,582 gives the same sequence; the c. name uses the placement nearest the transcript's 3' end. VCF-style (leftmost placement, unchanged base first): chr19-50794576-TGGAG-T. GRCh37 (hg19) VCF-style: chr19-51297833-TGGAG-T.
Identifiers: ClinVar variation 4849306 (VCV004849306.1).
Genomic context (GRCh38, chr19:50,794,576, plus strand): 5'-GCCATATGCTGCCTGCCTCGGCTTTGAGTTCCGGAAGCACCTGGGGAATCCCGCCAAAGA[TGGAG>T]GGTGAGAATGGTTTGGTGCCCAGGGACATGGGTGGGACAGAACTCTCAAAGCAAGGGGTG-3'